The following is an entry in ClinVar:

GRCh38/hg38 16p13.2(chr16:8233708-8890412)x3

Genes: METTL22 (methyltransferase 22, Kin17 lysine; plus strand), ABAT (4-aminobutyrate aminotransferase; plus strand), CARHSP1 (calcium regulated heat stable protein 1; minus strand), CARHSP1-DT (CARHSP1 divergent transcript; plus strand), LINC02152 (long intergenic non-protein coding RNA 2152; plus strand) and 17 more. Cytogenetic location: 16p13.2.
Variant type: copy number gain.
Change: copy number 3 (three copies instead of two) of chr16:8,233,708-8,890,412 (656.7 kb, GRCh38 coordinates, 1-based), cytogenetic band 16p13.2.
Identifiers: ClinVar variation 4852034 (VCV004852034.1).

ClinVar aggregate classification (germline): Uncertain significance (1 of 4 stars; one submission).

Submission:

Clinical Genomics Laboratory, Laboratory for Precision Diagnostics, University of Washington
Classification: Uncertain significance. Last evaluated: 2022-03-21. Review status: criteria provided, single submitter. Criteria: ACMG/ClinGen CNV Guidelines, 2019. Collection method: clinical testing. Allele origin: unknown. Affected: yes. Observed: 1 variant allele.
Comment: The classification of this duplication is uncertain, per ACMGG interpretation standards. It affects protein-coding elements (Section 1, 0 points) but doesn’t overlap any known dosage sensitive genes or regions (Section 2, 0 points). Six protein-coding genes are affected by the duplication (Section 3, 0 points). A review of public databases (ClinVar, DECIPHER) and the medical literature shows no reports of people with a similar duplication (Section 4, 0 points). No similar duplications appear in the Database of Genomic Variants (DGV) and gnomAD (Section 4O, 0 points). Parental testing has not been done (Section 5, 0 points).